The following is an entry in ClinVar:

ClinVar aggregate classification (germline): Likely benign. Review status: criteria provided, multiple submitters, no conflicts (2 of 4 stars). 6 submissions from 6 submitters: Likely benign (6). Last evaluated 2026-01-01.

Conditions:
HTRA2-related disorder. Also called: HTRA2-related condition.

Allele frequency attached by ClinVar (database versions not stated): ExAC 0.00011; gnomAD exomes 0.00011 and 0.00013; gnomAD 0.00017 and 0.00018; TOPMed 0.00030.

Submissions (6):

CeGaT Center for Human Genetics Tuebingen
Classification: Likely benign. Last evaluated: 2026-01-01. Review status: criteria provided, single submitter. Criteria: CeGaT Center For Human Genetics Tuebingen Variant Classification Criteria Version 2. Collection method: clinical testing. Allele origin: germline. Affected: yes. Observed: 1 variant allele.
Comment: HTRA2: BP4, BP7

Labcorp Genetics (formerly Invitae), Labcorp
Classification: Likely benign. Last evaluated: 2025-12-11. Review status: criteria provided, single submitter. Criteria: Invitae Variant Classification Sherloc (09022015). Collection method: clinical testing. Allele origin: germline.

Mayo Clinic Laboratories, Mayo Clinic
Classification: Likely benign. Last evaluated: 2025-10-09. Review status: criteria provided, single submitter. Criteria: ACMG Guidelines, 2015. Collection method: clinical testing. Allele origin: germline. Observed: 2 variant alleles.
Comment: BP4, BP7

PreventionGenetics, part of Exact Sciences
Classification: Likely benign for HTRA2-related condition. Last evaluated: 2025-02-03. Review status: criteria provided, single submitter. Criteria: ACMG Guidelines, 2015. Collection method: clinical testing. Allele origin: germline.
Comment: This variant is classified as likely benign based on ACMG/AMP sequence variant interpretation guidelines (Richards et al. 2015 PMID: 25741868, with internal and published modifications).

Blueprint Genetics
Classification: Likely benign. Last evaluated: 2024-07-05. Review status: criteria provided, single submitter. Criteria: ACMG Guidelines, 2015. Collection method: clinical testing. Allele origin: germline.

GeneDx
Classification: Likely benign. Last evaluated: 2019-04-11. Review status: criteria provided, single submitter. Criteria: GeneDx Variant Classification Process June 2021. Collection method: clinical testing. Allele origin: germline. Affected: yes.

NM_013247.5(HTRA2):c.390C>A (p.Ala130=)

Gene: HTRA2 (HtrA serine peptidase 2; plus strand). Cytogenetic location: 2p13.1.
Variant type: single nucleotide variant.
Coding change: c.390C>A on transcript NM_013247.5 (MANE Select); coding-DNA position 390, C replaced by A.
Protein change: p.Ala130=; no amino-acid change (alanine 130 retained).
Molecular consequence: synonymous variant. On other transcripts: non-coding transcript variant (1).
Genome position (GRCh38, 1-based): chr2:74,530,396, C>A. VCF-style: chr2-74530396-C-A. GRCh37 (hg19) VCF-style: chr2-74757523-C-A.
Other names: p.Ala130=; c.390C>A, p.Ala130= (NM_001321727.1, NM_001321728.1, NM_145074.2).
Identifiers: ClinVar variation 1027061 (VCV001027061.17), dbSNP rs746431438, ClinGen allele CA1728341.